The following is an entry in ClinVar:

NM_006929.5(SKIC2):c.85C>T (p.His29Tyr)

Gene: SKIC2 (SKI2 subunit of superkiller complex; plus strand). Cytogenetic location: 6p21.33.
Variant type: single nucleotide variant.
Coding change: c.85C>T on transcript NM_006929.5 (MANE Select); coding-DNA position 85, C replaced by T.
Protein change: p.His29Tyr; replaces histidine 29 with tyrosine.
Molecular consequence: missense variant.
Genome position (GRCh38, 1-based): chr6:31,959,359, C>T. VCF-style: chr6-31959359-C-T. GRCh37 (hg19) VCF-style: chr6-31927136-C-T.
Other names: short protein forms H29Y.
Identifiers: ClinVar variation 2004525 (VCV002004525.1), dbSNP rs2482863816, ClinGen allele CA363432895.

ClinVar aggregate classification (germline): Uncertain significance (1 of 4 stars; one submission).

Submission:

Labcorp Genetics (formerly Invitae), Labcorp
Classification: Uncertain significance. Last evaluated: 2022-06-10. Review status: criteria provided, single submitter. Criteria: Invitae Variant Classification Sherloc (09022015). Collection method: clinical testing. Allele origin: germline.
Comment: This sequence change replaces histidine, which is basic and polar, with tyrosine, which is neutral and polar, at codon 29 of the SKIV2L protein (p.His29Tyr). This variant is not present in population databases (gnomAD no frequency). This variant has not been reported in the literature in individuals affected with SKIV2L-related conditions. Algorithms developed to predict the effect of missense changes on protein structure and function (SIFT, PolyPhen-2, Align-GVGD) all suggest that this variant is likely to be tolerated. In summary, the available evidence is currently insufficient to determine the role of this variant in disease. Therefore, it has been classified as a Variant of Uncertain Significance.